The following is an entry in ClinVar:

ClinVar aggregate classification (germline): Uncertain significance (1 of 4 stars; one submission).

Conditions:
Bethlem myopathy 1A. Also called: Bethlem Muscular Dystrophy; MYOPATHY, BENIGN CONGENITAL, WITH CONTRACTURES; Bethlem myopathy 1. Identifiers: Orphanet 610, MedGen CN029274, MONDO:0024530, OMIM 158810.

Submission:

Labcorp Genetics (formerly Invitae), Labcorp
Classification: Uncertain significance for Bethlem myopathy 1A. Last evaluated: 2022-06-20. Review status: criteria provided, single submitter. Criteria: Invitae Variant Classification Sherloc (09022015). Collection method: clinical testing. Allele origin: germline.
Comment: In summary, the available evidence is currently insufficient to determine the role of this variant in disease. Therefore, it has been classified as a Variant of Uncertain Significance. This sequence change replaces glycine, which is neutral and non-polar, with aspartic acid, which is acidic and polar, at codon 2199 of the COL6A3 protein (p.Gly2199Asp). This variant is not present in population databases (gnomAD no frequency). This variant has not been reported in the literature in individuals affected with COL6A3-related conditions. ClinVar contains an entry for this variant (Variation ID: 1001640). Advanced modeling of protein sequence and biophysical properties (such as structural, functional, and spatial information, amino acid conservation, physicochemical variation, residue mobility, and thermodynamic stability) performed at Invitae indicates that this missense variant is not expected to disrupt COL6A3 protein function.

NM_004369.4(COL6A3):c.6596G>A (p.Gly2199Asp)

Gene: COL6A3 (collagen type VI alpha 3 chain; minus strand). Cytogenetic location: 2q37.3.
Variant type: single nucleotide variant.
Coding change: c.6596G>A on transcript NM_004369.4 (MANE Select); coding-DNA position 6596, G replaced by A.
Protein change: p.Gly2199Asp; replaces glycine 2199 with aspartic acid.
Molecular consequence: missense variant.
Genome position (GRCh38, 1-based): chr2:237,354,930, C>T on the plus strand (G>A on the coding strand, the complement: COL6A3 is on the minus strand). VCF-style: chr2-237354930-C-T. GRCh37 (hg19) VCF-style: chr2-238263573-C-T.
Other names: c.4775G>A, p.Gly1592Asp (NM_057166.5); c.5978G>A, p.Gly1993Asp (NM_057167.4); short protein forms G1592D, G1993D, G2199D.
Identifiers: ClinVar variation 1001640 (VCV001001640.9), dbSNP rs1319341064, ClinGen allele CA351213776.